The following is an entry in ClinVar:

GRCh38/hg38 22q11.21(chr22:18857119-21109442)x1

Genes: ARVCF (ARVCF delta catenin family member; minus strand), C22orf39 (chromosome 22 open reading frame 39; minus strand), CCDC188 (coiled-coil domain containing 188; minus strand), CDC45 (cell division cycle 45; plus strand), CLDN5 (claudin 5; minus strand) and 173 more. Cytogenetic location: 22q11.21.
Variant type: copy number loss.
Change: copy number 1 (one copy instead of two) of chr22:18,857,119-21,109,442 (2.25 Mb, GRCh38 coordinates, 1-based), cytogenetic band 22q11.21.
Identifiers: ClinVar variation 4852072 (VCV004852072.1).

ClinVar aggregate classification (germline): Pathogenic (1 of 4 stars; one submission).

Submission:

Clinical Genomics Laboratory, Laboratory for Precision Diagnostics, University of Washington
Classification: Pathogenic. Last evaluated: 2023-02-06. Review status: criteria provided, single submitter. Criteria: ACMG/ClinGen CNV Guidelines, 2019. Collection method: clinical testing. Allele origin: de novo. Affected: yes. Observed: 1 variant allele.
Comment: This is the deletion of LCR22A-D found in the majority of people with 22q11.2 deletion syndrome.

Literature cited by the submitters: PubMed 25962607; PubMed 26411878.